The following is an entry in ClinVar:

NM_004655.4(AXIN2):c.1200G>A (p.Glu400=)

Gene: AXIN2 (axin 2; minus strand). Cytogenetic location: 17q24.1.
Variant type: single nucleotide variant.
Coding change: c.1200G>A on transcript NM_004655.4 (MANE Select); coding-DNA position 1200, G replaced by A.
Protein change: p.Glu400=; no amino-acid change (glutamic acid 400 retained).
Molecular consequence: synonymous variant.
Genome position (GRCh38, 1-based): chr17:65,538,203, C>T on the plus strand (G>A on the coding strand, the complement: AXIN2 is on the minus strand). VCF-style: chr17-65538203-C-T. GRCh37 (hg19) VCF-style: chr17-63534321-C-T.
Other names: c.1200G>A, p.Glu400= (NM_001363813.1).
Identifiers: ClinVar variation 959158 (VCV000959158.13), dbSNP rs772748458, ClinGen allele CA8718835.

ClinVar aggregate classification (germline): Conflicting classifications of pathogenicity. Review status: criteria provided, conflicting classifications (1 of 4 stars). 4 submissions from 4 submitters: Uncertain significance (3); Likely benign (1). Last evaluated 2025-11-17.

Conditions:
Colorectal cancer. Also called: Colorectal cancer, somatic; Malignant Colorectal Neoplasm. Identifiers: MedGen C0346629, MONDO:0005575, OMIM 114500.
Hereditary cancer-predisposing syndrome. Also called: Tumor predisposition; Hereditary neoplastic syndrome; Neoplastic Syndromes, Hereditary; Hereditary Cancer Syndrome. Identifiers: Orphanet 140162, MedGen C0027672, MeSH D009386, MONDO:0015356.
Oligodontia-cancer predisposition syndrome. Also called: TOOTH AGENESIS-COLORECTAL CANCER SYNDROME. Identifiers: Orphanet 300576, MedGen C1837750, MONDO:0012075, OMIM 608615. Disease mechanism: loss of function.

Allele frequency attached by ClinVar (database versions not stated): gnomAD exomes below 0.00001; ExAC 0.00001; TOPMed 0.00001.
gnomAD v4.1: 8 of 1,614,244 alleles (0.0005%); highest among the groups gnomAD compares: African/African-American, 0.0013%; no homozygotes.

Submissions (4):

Labcorp Genetics (formerly Invitae), Labcorp
Classification: Uncertain significance for Oligodontia-cancer predisposition syndrome. Last evaluated: 2025-11-17. Review status: criteria provided, single submitter. Criteria: Invitae Variant Classification Sherloc (09022015). Collection method: clinical testing. Allele origin: germline.
Comment: This sequence change affects codon 400 of the AXIN2 mRNA. It is a 'silent' change, meaning that it does not change the encoded amino acid sequence of the AXIN2 protein. This variant also falls at the last nucleotide of exon 5, which is part of the consensus splice site for this exon. This variant is present in population databases (rs772748458, gnomAD 0.0009%). This variant has not been reported in the literature in individuals affected with AXIN2-related conditions. ClinVar contains an entry for this variant (Variation ID: 959158). Variants that disrupt the consensus splice site are a relatively common cause of aberrant splicing (PMID: 17576681, 9536098). Studies have shown that this variant is associated with inconclusive levels of altered splicing (internal data). In summary, the available evidence is currently insufficient to determine the role of this variant in disease. Therefore, it has been classified as a Variant of Uncertain Significance.

Baylor Genetics
Classification: Uncertain significance for Colorectal cancer. Last evaluated: 2024-03-22. Review status: criteria provided, single submitter. Criteria: ACMG Guidelines, 2015. Collection method: clinical testing. Allele origin: unknown.

GeneDx
Classification: Uncertain significance. Last evaluated: 2023-10-03. Review status: criteria provided, single submitter. Criteria: GeneDx Variant Classification Process June 2021. Collection method: clinical testing. Allele origin: germline. Affected: yes.
Comment: Not observed at significant frequency in large population cohorts (gnomAD); In silico analysis is inconclusive as to whether the variant alters gene splicing. In the absence of RNA/functional studies, the actual effect of this sequence change is unknown.; Has not been previously published as pathogenic or benign to our knowledge

Ambry Genetics
Classification: Likely benign for Hereditary cancer-predisposing syndrome. Last evaluated: 2022-11-04. Review status: criteria provided, single submitter. Criteria: Ambry Variant Classification Scheme 2023. Collection method: clinical testing. Allele origin: germline.

Literature cited by the submitters: PubMed 17576681 (cited by Labcorp Genetics (formerly Invitae), Labcorp); PubMed 9536098 (cited by Labcorp Genetics (formerly Invitae), Labcorp).